The following is an entry in ClinVar:

NM_000038.6(APC):c.6179A>G (p.Asn2060Ser)

Gene: APC (APC regulator of Wnt signaling pathway; plus strand). Cytogenetic location: 5q22.2.
Variant type: single nucleotide variant.
Coding change: c.6179A>G on transcript NM_000038.6 (MANE Select); coding-DNA position 6179, A replaced by G.
Protein change: p.Asn2060Ser; replaces asparagine 2060 with serine.
Molecular consequence: missense variant.
Genome position (GRCh38, 1-based): chr5:112,841,773, A>G. VCF-style: chr5-112841773-A-G. GRCh37 (hg19) VCF-style: chr5-112177470-A-G.
Other names: c.6179A>G, p.Asn2060Ser (NM_001127510.3, NM_001354895.2); c.6125A>G, p.Asn2042Ser (NM_001127511.3); c.6233A>G, p.Asn2078Ser (NM_001354896.2); c.6209A>G, p.Asn2070Ser (NM_001354897.2); c.6104A>G, p.Asn2035Ser (NM_001354898.2); c.6095A>G, p.Asn2032Ser (NM_001354899.2); c.6056A>G, p.Asn2019Ser (NM_001354900.2); c.6002A>G, p.Asn2001Ser (NM_001354901.2); and 5 more; short protein forms N1777S, N1900S, N1934S, N1959S, N1969S, N2001S, N2019S, N2032S.
Identifiers: ClinVar variation 1058126 (VCV001058126.10), dbSNP rs2149959008, ClinGen allele CA16034863.
Genomic context (GRCh38, chr5:112,841,773, plus strand): 5'-AGGAATGTATAAGCTCCGCAATGCCAAAAAAGAAAAAGCCTTCAAGACTCAAGGGTGATA[A>G]TGAAAAACATAGTCCCAGAAATATGGGTGGCATATTAGGTGAAGATCTGACACTTGATTT-3'
Protein context (NP_000029.2, residues 2050-2070): KKKPSRLKGD[Asn2060Ser]EKHSPRNMGG

ClinVar aggregate classification (germline): Uncertain significance (1 of 4 stars; one submission).

Conditions:
Familial adenomatous polyposis 1 (FAP1). Also called: FAMILIAL ADENOMATOUS POLYPOSIS 1, ATTENUATED; POLYPOSIS, ADENOMATOUS INTESTINAL. Identifiers: MedGen C2713442, MONDO:0021056, OMIM 175100. Disease mechanism: loss of function.

Submission:

Labcorp Genetics (formerly Invitae), Labcorp
Classification: Uncertain significance for Familial adenomatous polyposis 1. Last evaluated: 2022-03-13. Review status: criteria provided, single submitter. Criteria: Invitae Variant Classification Sherloc (09022015). Collection method: clinical testing. Allele origin: germline.
Comment: This variant has not been reported in the literature in individuals affected with APC-related conditions. In summary, the available evidence is currently insufficient to determine the role of this variant in disease. Therefore, it has been classified as a Variant of Uncertain Significance. Algorithms developed to predict the effect of missense changes on protein structure and function output the following: SIFT: "Tolerated"; PolyPhen-2: "Benign"; Align-GVGD: "Class C0". The serine amino acid residue is found in multiple mammalian species, which suggests that this missense change does not adversely affect protein function. ClinVar contains an entry for this variant (Variation ID: 1058126). This variant is not present in population databases (gnomAD no frequency). This sequence change replaces asparagine, which is neutral and polar, with serine, which is neutral and polar, at codon 2060 of the APC protein (p.Asn2060Ser).